The following is an entry in ClinVar:

ClinVar aggregate classification (germline): Uncertain significance (1 of 4 stars; one submission).

Conditions:
Cardiovascular phenotype. Identifiers: MedGen CN230736.
Hereditary cancer-predisposing syndrome. Also called: Neoplastic Syndromes, Hereditary; Tumor predisposition; Hereditary Cancer Syndrome; Hereditary neoplastic syndrome. Identifiers: Orphanet 140162, MedGen C0027672, MeSH D009386, MONDO:0015356.

gnomAD v4.1: 1 of 1,603,118 alleles (0.000062%); highest among the groups gnomAD compares: Non-Finnish European, 0.000085%; no homozygotes.

Submission:

Ambry Genetics
Classification: Uncertain significance for Cardiovascular phenotype; Hereditary cancer-predisposing syndrome. Last evaluated: 2026-05-22. Review status: criteria provided, single submitter. Criteria: Ambry Variant Classification Scheme 2023. Collection method: clinical testing. Allele origin: germline.
Comment: The p.R514P variant (also known as c.1541G>C), located in coding exon 14 of the LZTR1 gene, results from a G to C substitution at nucleotide position 1541. The arginine at codon 514 is replaced by proline, an amino acid with dissimilar properties. This amino acid position is highly conserved in available vertebrate species. In addition, this alteration is predicted to be tolerated by in silico analysis. Based on the available evidence, the clinical significance of this variant remains unclear.

NM_006767.4(LZTR1):c.1541G>C (p.Arg514Pro)

Gene: LZTR1 (leucine zipper like post translational regulator 1; plus strand). Cytogenetic location: 22q11.21.
Variant type: single nucleotide variant.
Coding change: c.1541G>C on transcript NM_006767.4 (MANE Select); coding-DNA position 1541, G replaced by C.
Protein change: p.Arg514Pro; replaces arginine 514 with proline.
Molecular consequence: missense variant.
Genome position (GRCh38, 1-based): chr22:20,994,195, G>C. VCF-style: chr22-20994195-G-C. GRCh37 (hg19) VCF-style: chr22-21348484-G-C.
Other names: short protein forms R514P.
Identifiers: ClinVar variation 4859407 (VCV004859407.1).